The following is an entry in ClinVar:

ClinVar aggregate classification (germline): Uncertain significance (0 of 4 stars; one submission).

Conditions:
Breast ductal adenocarcinoma. Also called: Ductal breast carcinoma; Breast cancer, invasive ductal. Identifiers: MedGen C1527349, MONDO:0005590.

Submission:

Next Generation Diagnostics, Novartis Institutes for BioMedical Research, Inc.
Classification: Uncertain significance for Breast ductal adenocarcinoma. Last evaluated: 2015-07-20. Review status: no assertion criteria provided. Collection method: research. Allele origin: somatic. Affected: yes.
Comment: Loss of heterozygosity

chr19:55143156-55294969 complex variant

Genes: KIR2DL1 (killer cell immunoglobulin like receptor, two Ig domains and long cytoplasmic tail 1), KIR2DL3 (killer cell immunoglobulin like receptor, two Ig domains and long cytoplasmic tail 3), KIR3DL3 (killer cell immunoglobulin like receptor, three Ig domains and long cytoplasmic tail 3), LILRB1 (leukocyte immunoglobulin like receptor B1; plus strand), LILRB4 (leukocyte immunoglobulin like receptor B4; plus strand). Cytogenetic location: 19q13.42.
Variant type: Complex.
Identifiers: ClinVar variation 221370 (VCV000221370.2).